The following is an entry in ClinVar:

NM_014795.4(ZEB2):c.2041G>A (p.Val681Met)

Gene: ZEB2 (zinc finger E-box binding homeobox 2; minus strand). Cytogenetic location: 2q22.3.
Variant type: single nucleotide variant.
Coding change: c.2041G>A on transcript NM_014795.4 (MANE Select); coding-DNA position 2041, G replaced by A.
Protein change: p.Val681Met; replaces valine 681 with methionine.
Molecular consequence: missense variant.
Genome position (GRCh38, 1-based): chr2:144,399,146, C>T on the plus strand (G>A on the coding strand, the complement: ZEB2 is on the minus strand). VCF-style: chr2-144399146-C-T. GRCh37 (hg19) VCF-style: chr2-145156713-C-T.
Other names: c.1969G>A, p.Val657Met (NM_001171653.2); short protein forms V657M, V681M.
Identifiers: ClinVar variation 2899948 (VCV002899948.4), dbSNP rs769486815, ClinGen allele CA1898280.

ClinVar aggregate classification (germline): Uncertain significance. Review status: criteria provided, multiple submitters, no conflicts (2 of 4 stars). 2 submissions from 2 submitters: Uncertain significance (2). Last evaluated 2026-05-18.

Conditions:
Mowat-Wilson syndrome (MOWS). Also called: Classic Mowat-Wilson Syndrome. Identifiers: Orphanet 2152, MedGen C1856113, MONDO:0009341, OMIM 235730.

Allele frequency attached by ClinVar (database versions not stated): TOPMed 0.00001; ExAC 0.00002.
gnomAD v4.1: 18 of 1,614,094 alleles (0.0011%); highest among the groups gnomAD compares: East Asian, 0.0022%; 1 homozygote.

Submissions (2):

Women's Health and Genetics/Laboratory Corporation of America, LabCorp
Classification: Uncertain significance. Last evaluated: 2026-05-18. Review status: criteria provided, single submitter. Criteria: LabCorp Variant Classification Summary - May 2015. Collection method: clinical testing. Allele origin: germline.
Comment: Variant summary: ZEB2 c.2041G>A (p.Val681Met) results in a conservative amino acid change in the encoded protein sequence. Algorithms developed to predict the effect of missense changes on protein structure and function are either unavailable or do not agree on the potential impact of this missense change. The variant allele was found at a frequency of 1.6e-05 in 251056 control chromosomes. The available data on variant occurrences in the general population are insufficient to allow any conclusion about variant significance. To our knowledge, no occurrence of c.2041G>A in individuals affected with ZEB2-related conditions and no experimental evidence demonstrating its impact on protein function have been reported. ClinVar contains an entry for this variant (Variation ID: 2899948). Based on the evidence outlined above, the variant was classified as uncertain significance.

Labcorp Genetics (formerly Invitae), Labcorp
Classification: Uncertain significance for Mowat-Wilson syndrome. Last evaluated: 2023-11-18. Review status: criteria provided, single submitter. Criteria: Invitae Variant Classification Sherloc (09022015). Collection method: clinical testing. Allele origin: germline.
Comment: This sequence change replaces valine, which is neutral and non-polar, with methionine, which is neutral and non-polar, at codon 681 of the ZEB2 protein (p.Val681Met). This variant is present in population databases (rs769486815, gnomAD 0.006%). This variant has not been reported in the literature in individuals affected with ZEB2-related conditions. Advanced modeling of protein sequence and biophysical properties (such as structural, functional, and spatial information, amino acid conservation, physicochemical variation, residue mobility, and thermodynamic stability) performed at Invitae indicates that this missense variant is expected to disrupt ZEB2 protein function with a positive predictive value of 80%. In summary, the available evidence is currently insufficient to determine the role of this variant in disease. Therefore, it has been classified as a Variant of Uncertain Significance.